The following is an entry in ClinVar:

ClinVar aggregate classification (germline): Uncertain significance (1 of 4 stars; one submission).

Submission:

GeneDx
Classification: Uncertain significance. Last evaluated: 2022-10-04. Review status: criteria provided, single submitter. Criteria: GeneDx Variant Classification Process June 2021. Collection method: clinical testing. Allele origin: germline. Affected: yes.
Comment: Not observed at significant frequency in large population cohorts (gnomAD); In silico analysis supports that this missense variant does not alter protein structure/function; Has not been previously published as pathogenic or benign to our knowledge

NM_014991.6(WDFY3):c.974A>G (p.Glu325Gly)

Gene: WDFY3 (WD repeat and FYVE domain containing 3; minus strand). Cytogenetic location: 4q21.23.
Variant type: single nucleotide variant.
Coding change: c.974A>G on transcript NM_014991.6 (MANE Select); coding-DNA position 974, A replaced by G.
Protein change: p.Glu325Gly; replaces glutamic acid 325 with glycine.
Molecular consequence: missense variant.
Genome position (GRCh38, 1-based): chr4:84,826,964, T>C on the plus strand (A>G on the coding strand, the complement: WDFY3 is on the minus strand). VCF-style: chr4-84826964-T-C. GRCh37 (hg19) VCF-style: chr4-85748117-T-C.
Other names: short protein forms E325G.
Identifiers: ClinVar variation 2497807 (VCV002497807.1), dbSNP rs1754955554, ClinGen allele CA357573718.